The following is an entry in ClinVar:

ClinVar aggregate classification (germline): Uncertain significance (1 of 4 stars; one submission).

Conditions:
Ullrich congenital muscular dystrophy 2 (UCMD2). Identifiers: Orphanet 75840, MedGen C4225314, MONDO:0014654, OMIM 616470.
Bethlem myopathy 2 (BTHLM2). Identifiers: Orphanet 536516, Orphanet 610, MedGen C4225313, MONDO:0034022, OMIM 616471.

Submission:

Labcorp Genetics (formerly Invitae), Labcorp
Classification: Uncertain significance for Bethlem myopathy 2; Ullrich congenital muscular dystrophy 2. Last evaluated: 2023-07-17. Review status: criteria provided, single submitter. Criteria: Invitae Variant Classification Sherloc (09022015). Collection method: clinical testing. Allele origin: germline.
Comment: This variant has not been reported in the literature in individuals affected with COL12A1-related conditions. This sequence change replaces proline, which is neutral and non-polar, with arginine, which is basic and polar, at codon 2195 of the COL12A1 protein (p.Pro2195Arg). This variant is not present in population databases (gnomAD no frequency). Advanced modeling of protein sequence and biophysical properties (such as structural, functional, and spatial information, amino acid conservation, physicochemical variation, residue mobility, and thermodynamic stability) has been performed at Invitae for this missense variant, however the output from this modeling did not meet the statistical confidence thresholds required to predict the impact of this variant on COL12A1 protein function. In summary, the available evidence is currently insufficient to determine the role of this variant in disease. Therefore, it has been classified as a Variant of Uncertain Significance.

NM_004370.6(COL12A1):c.6584C>G (p.Pro2195Arg)

Gene: COL12A1 (collagen type XII alpha 1 chain; minus strand). Cytogenetic location: 6q13.
Variant type: single nucleotide variant.
Coding change: c.6584C>G on transcript NM_004370.6 (MANE Select); coding-DNA position 6584, C replaced by G.
Protein change: p.Pro2195Arg; replaces proline 2195 with arginine.
Molecular consequence: missense variant.
Genome position (GRCh38, 1-based): chr6:75,125,150, G>C on the plus strand (C>G on the coding strand, the complement: COL12A1 is on the minus strand). VCF-style: chr6-75125150-G-C. GRCh37 (hg19) VCF-style: chr6-75834866-G-C.
Other names: c.6584C>G, p.Pro2195Arg (NM_001424113.1); c.6563C>G, p.Pro2188Arg (NM_001424114.1); c.6311C>G, p.Pro2104Arg (NM_001424115.1); c.3092C>G, p.Pro1031Arg (NM_001424116.1, NM_080645.3); short protein forms P1031R, P2188R, P2104R, P2195R.
Identifiers: ClinVar variation 2940262 (VCV002940262.3), dbSNP rs1378279745, ClinGen allele CA364729303.